The following is an entry in ClinVar:

NM_001042492.3(NF1):c.8416G>A (p.Gly2806Ser)

Gene: NF1 (neurofibromin 1; plus strand). Cytogenetic location: 17q11.2.
Variant type: single nucleotide variant.
Coding change: c.8416G>A on transcript NM_001042492.3 (MANE Select); coding-DNA position 8416, G replaced by A.
Protein change: p.Gly2806Ser; replaces glycine 2806 with serine.
Molecular consequence: missense variant.
Genome position (GRCh38, 1-based): chr17:31,374,051, G>A. VCF-style: chr17-31374051-G-A. GRCh37 (hg19) VCF-style: chr17-29701069-G-A.
Other names: c.8353G>A, p.Gly2785Ser (NM_000267.4); short protein forms G2785S, G2806S.
Identifiers: ClinVar variation 3634617 (VCV003634617.2).

ClinVar aggregate classification (germline): Uncertain significance (1 of 4 stars; one submission).

Conditions:
Neurofibromatosis, type 1 (NF1). Also called: VON RECKLINGHAUSEN DISEASE; Peripheral type neurofibromatosis; NEUROFIBROMATOSIS, TYPE I, SOMATIC; Neurofibromatosis, type I. Identifiers: Orphanet 636, MedGen C0027831, MONDO:0018975, OMIM 162200. Disease mechanism: loss of function.

gnomAD v4.1: 1 of 1,614,072 alleles (0.000062%); no homozygotes.

Submission:

Labcorp Genetics (formerly Invitae), Labcorp
Classification: Uncertain significance for Neurofibromatosis, type 1. Last evaluated: 2024-06-06. Review status: criteria provided, single submitter. Criteria: Invitae Variant Classification Sherloc (09022015). Collection method: clinical testing. Allele origin: germline.
Comment: This sequence change replaces glycine, which is neutral and non-polar, with serine, which is neutral and polar, at codon 2785 of the NF1 protein (p.Gly2785Ser). This variant is not present in population databases (gnomAD no frequency). This variant has not been reported in the literature in individuals affected with NF1-related conditions. Advanced modeling of protein sequence and biophysical properties (such as structural, functional, and spatial information, amino acid conservation, physicochemical variation, residue mobility, and thermodynamic stability) performed at Invitae indicates that this missense variant is not expected to disrupt NF1 protein function with a negative predictive value of 95%. In summary, the available evidence is currently insufficient to determine the role of this variant in disease. Therefore, it has been classified as a Variant of Uncertain Significance.